The following is an entry in ClinVar:

ClinVar aggregate classification (germline): Pathogenic (1 of 4 stars; one submission).

Conditions:
Wilson disease (WND). Also called: Wilson's disease. Identifiers: Orphanet 905, MedGen C0019202, MONDO:0010200, OMIM 277900. Disease mechanism: loss of function.

Submission:

Labcorp Genetics (formerly Invitae), Labcorp
Classification: Pathogenic for Wilson disease. Last evaluated: 2023-05-02. Review status: criteria provided, single submitter. Criteria: Invitae Variant Classification Sherloc (09022015). Collection method: clinical testing. Allele origin: germline.
Comment: This variant has not been reported in the literature in individuals affected with ATP7B-related conditions. This variant is not present in population databases (gnomAD no frequency). For these reasons, this variant has been classified as Pathogenic. This sequence change creates a premature translational stop signal (p.Val1042Glyfs*27) in the ATP7B gene. It is expected to result in an absent or disrupted protein product. Loss-of-function variants in ATP7B are known to be pathogenic (PMID: 10441329, 16283883).

Literature cited by the submitters: PubMed 10441329; PubMed 16283883.

NM_000053.4(ATP7B):c.3124dup (p.Val1042fs)

Gene: ATP7B (ATPase copper transporting beta; minus strand). Cytogenetic location: 13q14.3.
Variant type: Duplication.
Coding change: c.3124dup on transcript NM_000053.4 (MANE Select); coding-DNA position 3124, one base duplicated (G; older notation c.3124dupG).
Protein change: p.Val1042fs; shifts the reading frame from valine 1042.
Molecular consequence: frameshift variant. On other transcripts: intron variant (1).
Genome position (GRCh38, 1-based): chr13:51,944,228, C duplicated on the plus strand (G on the coding strand, the reverse complement: ATP7B is on the minus strand); the first of 3 consecutive C bases (chr13:51,944,228-51,944,230); duplicating any one gives the same sequence. VCF-style (leftmost placement, unchanged base first): chr13-51944227-A-AC. GRCh37 (hg19) VCF-style: chr13-52518363-A-AC.
Other names: c.2503dup, p.Val835fs (NM_001005918.3); c.2791dup, p.Val931fs (NM_001243182.2); c.2890dup, p.Val964fs (NM_001330578.2, NM_001406527.1, NM_001406528.1 and 1 more transcripts); c.2872dup, p.Val958fs (NM_001330579.2, NM_001406531.1, NM_001406532.1); c.3124dup, p.Val1042fs (NM_001406511.1, NM_001406512.1, NM_001406526.1); c.3118dup, p.Val1040fs (NM_001406513.1); c.3091dup, p.Val1031fs (NM_001406514.1); c.3070dup, p.Val1024fs (NM_001406515.1, NM_001406516.1); and 19 more; short protein forms V1010fs, V815fs, V848fs, V899fs, V931fs, V946fs, V994fs, V997fs.
Identifiers: ClinVar variation 2861532 (VCV002861532.3), dbSNP rs2547628344, ClinGen allele CA2739277656.